The following is an entry in ClinVar:

ClinVar aggregate classification (germline): Likely benign. Review status: criteria provided, multiple submitters, no conflicts (2 of 4 stars). 5 submissions from 5 submitters: Likely benign (5). Last evaluated 2025-12-29.

Conditions:
Cardiovascular phenotype. Identifiers: MedGen CN230736.

Allele frequency attached by ClinVar (database versions not stated): gnomAD exomes 0.00003; 1000 Genomes Project 30x 0.00016; ExAC 0.00022; gnomAD 0.00042 and 0.00047; TOPMed 0.00044.
gnomAD v4.1: 106 of 1,547,174 alleles (0.0069%); highest among the groups gnomAD compares: African/African-American, 0.13%; no homozygotes.

Submissions (5):

Labcorp Genetics (formerly Invitae), Labcorp
Classification: Likely benign. Last evaluated: 2025-12-29. Review status: criteria provided, single submitter. Criteria: Invitae Variant Classification Sherloc (09022015). Collection method: clinical testing. Allele origin: germline.

Mayo Clinic Laboratories, Mayo Clinic
Classification: Likely benign. Last evaluated: 2025-10-10. Review status: criteria provided, single submitter. Criteria: ACMG Guidelines, 2015. Collection method: clinical testing. Allele origin: germline. Observed: 1 variant allele.
Comment: BS1, BP4, BP7

CeGaT Center for Human Genetics Tuebingen
Classification: Likely benign. Last evaluated: 2022-09-01. Review status: criteria provided, single submitter. Criteria: CeGaT Center For Human Genetics Tuebingen Variant Classification Criteria Version 2. Collection method: clinical testing. Allele origin: germline. Affected: yes. Observed: 1 variant allele.
Comment: ZNF469: BP4, BP7

GeneDx
Classification: Likely benign. Last evaluated: 2019-07-23. Review status: criteria provided, single submitter. Criteria: GeneDx Variant Classification Process June 2021. Collection method: clinical testing. Allele origin: germline. Affected: yes.

Ambry Genetics
Classification: Likely benign for Cardiovascular phenotype. Last evaluated: 2019-06-17. Review status: criteria provided, single submitter. Criteria: Ambry Variant Classification Scheme 2023. Collection method: clinical testing. Allele origin: germline.

NM_001367624.2(ZNF469):c.11238T>A (p.Gly3746=)

Gene: ZNF469 (zinc finger protein 469; plus strand). Cytogenetic location: 16q24.2.
Variant type: single nucleotide variant.
Coding change: c.11238T>A on transcript NM_001367624.2 (MANE Select); coding-DNA position 11238, T replaced by A.
Protein change: p.Gly3746=; no amino-acid change (glycine 3746 retained).
Molecular consequence: synonymous variant.
Genome position (GRCh38, 1-based): chr16:88,438,708, T>A. VCF-style: chr16-88438708-T-A. GRCh37 (hg19) VCF-style: chr16-88505116-T-A.
Other names: NM_001127464.1:c.11154T>A; p.Gly3746=.
Identifiers: ClinVar variation 1199907 (VCV001199907.38), dbSNP rs779525596, ClinGen allele CA8225594.